The following is an entry in ClinVar:

ClinVar aggregate classification (germline): Uncertain significance (1 of 4 stars; one submission).

Submission:

GeneDx
Classification: Uncertain significance. Last evaluated: 2023-04-12. Review status: criteria provided, single submitter. Criteria: GeneDx Variant Classification Process June 2021. Collection method: clinical testing. Allele origin: germline. Affected: yes.
Comment: Frameshift variant predicted to result in protein truncation or nonsense mediated decay in a gene or region of a gene for which loss of function is not a well-established mechanism of disease; Not observed at significant frequency in large population cohorts (gnomAD); Has not been previously published as pathogenic or benign to our knowledge

NM_198488.5(FAM83H):c.907dup (p.Ala303fs)

Gene: FAM83H (family with sequence similarity 83 member H; minus strand). Cytogenetic location: 8q24.3.
Variant type: Duplication.
Coding change: c.907dup on transcript NM_198488.5 (MANE Select); coding-DNA position 907, one base duplicated (G; older notation c.907dupG).
Protein change: p.Ala303fs; shifts the reading frame from alanine 303.
Molecular consequence: frameshift variant.
Genome position (GRCh38, 1-based): chr8:143,728,554, C duplicated on the plus strand (G on the coding strand, the reverse complement: FAM83H is on the minus strand). VCF-style (leftmost placement, unchanged base first): chr8-143728553-G-GC. GRCh37 (hg19) VCF-style: chr8-144810723-G-GC.
Other names: short protein forms A303fs.
Identifiers: ClinVar variation 3343068 (VCV003343068.1).